The following is an entry in ClinVar:

ClinVar aggregate classification (germline): Pathogenic (1 of 4 stars; one submission).

Conditions:
Primary ciliary dyskinesia. Also called: Ciliary dyskinesia. Identifiers: Orphanet 244, MedGen C0008780, MONDO:0016575, HP:0012265.

gnomAD v4.1: 1 of 1,545,138 alleles (0.000065%); highest among the groups gnomAD compares: East Asian, 0.0025%; no homozygotes.

Submission:

Labcorp Genetics (formerly Invitae), Labcorp
Classification: Pathogenic for Primary ciliary dyskinesia. Last evaluated: 2023-03-27. Review status: criteria provided, single submitter. Criteria: Invitae Variant Classification Sherloc (09022015). Collection method: clinical testing. Allele origin: germline.
Comment: Algorithms developed to predict the effect of sequence changes on RNA splicing suggest that this variant may disrupt the consensus splice site. This variant has not been reported in the literature in individuals affected with CCDC39-related conditions. This variant is not present in population databases (gnomAD no frequency). This sequence change creates a premature translational stop signal (p.Glu535*) in the CCDC39 gene. It is expected to result in an absent or disrupted protein product. Loss-of-function variants in CCDC39 are known to be pathogenic (PMID: 21131972, 23255504). For these reasons, this variant has been classified as Pathogenic.

Literature cited by the submitters: PubMed 21131972; PubMed 23255504.

NM_181426.2(CCDC39):c.1603G>T (p.Glu535Ter)

Gene: CCDC39 (coiled-coil domain 39 molecular ruler complex subunit; minus strand). Cytogenetic location: 3q26.33.
Variant type: single nucleotide variant.
Coding change: c.1603G>T on transcript NM_181426.2 (MANE Select); coding-DNA position 1603, G replaced by T.
Protein change: p.Glu535Ter; replaces glutamic acid 535 with a stop codon.
Molecular consequence: nonsense.
Genome position (GRCh38, 1-based): chr3:180,644,182, C>A on the plus strand (G>T on the coding strand, the complement: CCDC39 is on the minus strand). VCF-style: chr3-180644182-C-A. GRCh37 (hg19) VCF-style: chr3-180361970-C-A.
Other names: short protein forms E535*.
Identifiers: ClinVar variation 2850068 (VCV002850068.3), dbSNP rs1718020912, ClinGen allele CA355309551.
Genomic context (GRCh38, chr3:180,644,182, plus strand): 5'-GCTTAAAACCTTTGGCTTTATCAAGTTCTTTCTCTGATCTGTCGATGAAAAGGTTTAGTT[C>A]ATTTATTTTGGTCATAAGGGACTGTTTTTCATCACTGTTTTTACTATGTGCCTTCTTGAT-3'